The following is an entry in ClinVar:

NM_001903.5(CTNNA1):c.534A>T (p.Lys178Asn)

Gene: CTNNA1 (catenin alpha 1; plus strand). Cytogenetic location: 5q31.2.
Variant type: single nucleotide variant.
Coding change: c.534A>T on transcript NM_001903.5 (MANE Select); coding-DNA position 534, A replaced by T.
Protein change: p.Lys178Asn; replaces lysine 178 with asparagine.
Molecular consequence: missense variant.
Genome position (GRCh38, 1-based): chr5:138,812,248, A>T. VCF-style: chr5-138812248-A-T. GRCh37 (hg19) VCF-style: chr5-138147937-A-T.
Other names: c.534A>T (NM_001903.2); c.534A>T, p.Lys178Asn (NM_001290307.3, NM_001323982.2, NM_001323983.1 and 3 more transcripts); c.225A>T, p.Lys75Asn (NM_001290309.3); c.165A>T, p.Lys55Asn (NM_001290310.3); short protein forms K55N, K75N, K178N.
Identifiers: ClinVar variation 1911271 (VCV001911271.7), dbSNP rs2532348825, ClinGen allele CA361125349.

ClinVar aggregate classification (germline): Uncertain significance. Review status: criteria provided, multiple submitters, no conflicts (2 of 4 stars). 3 submissions from 3 submitters: Uncertain significance (3). Last evaluated 2025-07-06.

Conditions:
Hereditary cancer-predisposing syndrome. Also called: Hereditary neoplastic syndrome; Tumor predisposition; Hereditary Cancer Syndrome; Neoplastic Syndromes, Hereditary. Identifiers: Orphanet 140162, MedGen C0027672, MeSH D009386, MONDO:0015356.

Allele frequency attached by ClinVar (database versions not stated): gnomAD exomes below 0.00001.
gnomAD v4.1: 1 of 1,614,002 alleles (0.000062%); highest among the groups gnomAD compares: South Asian, 0.0011%; no homozygotes.

Submissions (3):

Ambry Genetics
Classification: Uncertain significance for Hereditary cancer-predisposing syndrome. Last evaluated: 2025-07-06. Review status: criteria provided, single submitter. Criteria: Ambry Variant Classification Scheme 2023. Collection method: clinical testing. Allele origin: germline.
Comment: The p.K178N variant (also known as c.534A>T), located in coding exon 4 of the CTNNA1 gene, results from an A to T substitution at nucleotide position 534. The lysine at codon 178 is replaced by asparagine, an amino acid with similar properties. This amino acid position is conserved. In addition, this alteration is predicted to be tolerated by in silico analysis. Based on the available evidence, the clinical significance of this variant remains unclear.

Blueprint Genetics
Classification: Uncertain significance. Last evaluated: 2024-03-13. Review status: criteria provided, single submitter. Criteria: ACMG Guidelines, 2015. Collection method: clinical testing. Allele origin: germline.

Labcorp Genetics (formerly Invitae), Labcorp
Classification: Uncertain significance. Last evaluated: 2023-07-17. Review status: criteria provided, single submitter. Criteria: Invitae Variant Classification Sherloc (09022015). Collection method: clinical testing. Allele origin: germline.
Comment: In summary, the available evidence is currently insufficient to determine the role of this variant in disease. Therefore, it has been classified as a Variant of Uncertain Significance. Advanced modeling of protein sequence and biophysical properties (such as structural, functional, and spatial information, amino acid conservation, physicochemical variation, residue mobility, and thermodynamic stability) performed at Invitae indicates that this missense variant is not expected to disrupt CTNNA1 protein function. ClinVar contains an entry for this variant (Variation ID: 1911271). This variant has not been reported in the literature in individuals affected with CTNNA1-related conditions. This variant is not present in population databases (gnomAD no frequency). This sequence change replaces lysine, which is basic and polar, with asparagine, which is neutral and polar, at codon 178 of the CTNNA1 protein (p.Lys178Asn).